The following is an entry in ClinVar:

ClinVar aggregate classification (germline): Likely pathogenic (1 of 4 stars; one submission).

Conditions:
Autosomal recessive limb-girdle muscular dystrophy type 2J (LGMDR10). Also called: Limb-girdle muscular dystrophy, type 2J; MUSCULAR DYSTROPHY, LIMB-GIRDLE, AUTOSOMAL RECESSIVE 10. Identifiers: Orphanet 140922, MedGen C1837342, MONDO:0012127, OMIM 608807.
Dilated cardiomyopathy 1G (CMD1G). Identifiers: Orphanet 154, MedGen C1858763, MONDO:0011400, OMIM 604145.

Allele frequency attached by ClinVar (database versions not stated): gnomAD exomes below 0.00001.
gnomAD v4.1: 1 of 1,612,924 alleles (0.000062%); highest among the groups gnomAD compares: East Asian, 0.0022%; no homozygotes.

Submission:

Labcorp Genetics (formerly Invitae), Labcorp
Classification: Likely pathogenic for Dilated cardiomyopathy 1G; Autosomal recessive limb-girdle muscular dystrophy type 2J. Last evaluated: 2022-08-27. Review status: criteria provided, single submitter. Criteria: Invitae Variant Classification Sherloc (09022015). Collection method: clinical testing. Allele origin: germline.
Comment: In summary, the currently available evidence indicates that the variant is pathogenic, but additional data are needed to prove that conclusively. Therefore, this variant has been classified as Likely Pathogenic. This variant is located in the A band of TTN (PMID: 25589632). Truncating variants in this region are significantly overrepresented in patients affected with dilated cardiomyopathy (PMID: 25589632). Truncating variants in this region have also been reported in individuals affected with autosomal recessive centronuclear myopathy (PMID: 23975875). ClinVar contains an entry for this variant (Variation ID: 842380). This variant has not been reported in the literature in individuals affected with TTN-related conditions. This variant is not present in population databases (gnomAD no frequency). This sequence change creates a premature translational stop signal (p.Arg18346*) in the TTN gene. While this is not anticipated to result in nonsense mediated decay, it is expected to create a truncated TTN protein.

Literature cited by the submitters: PubMed 25589632; PubMed 23975875.

NM_001267550.2(TTN):c.55036A>T (p.Arg18346Ter)

Genes: TTN-AS1 (TTN antisense RNA 1; plus strand), TTN (titin; minus strand). Cytogenetic location: 2q31.2.
Variant type: single nucleotide variant.
Coding change: c.55036A>T on transcript NM_001267550.2 (MANE Select); coding-DNA position 55036, A replaced by T.
Protein change: p.Arg18346Ter; replaces arginine 18346 with a stop codon.
Molecular consequence: nonsense.
Genome position (GRCh38, 1-based): chr2:178,602,366, T>A on the plus strand (A>T on the coding strand, the complement: TTN is on the minus strand). VCF-style: chr2-178602366-T-A. GRCh37 (hg19) VCF-style: chr2-179467093-T-A.
Other names: c.47332A>T, p.Arg15778Ter (NM_133378.4); c.28216A>T, p.Arg9406Ter (NM_133432.3); c.28417A>T, p.Arg9473Ter (NM_133437.4); c.50113A>T, p.Arg16705Ter (NM_001256850.1); c.27841A>T, p.Arg9281Ter (NM_003319.4); short protein forms R15778*, R18346*, R9281*, R9406*, R9473*, R16705*.
Identifiers: ClinVar variation 842380 (VCV000842380.6), dbSNP rs2053680009, ClinGen allele CA349545583.